The following is an entry in ClinVar:

ClinVar aggregate classification (germline): Uncertain significance (1 of 4 stars; one submission).

Conditions:
Fanconi anemia (FA). Also called: Fanconi's anemia. Identifiers: Orphanet 84, MedGen C0015625, MeSH D005199, MONDO:0019391.

Submission:

Labcorp Genetics (formerly Invitae), Labcorp
Classification: Uncertain significance for Fanconi anemia. Last evaluated: 2023-03-14. Review status: criteria provided, single submitter. Criteria: Invitae Variant Classification Sherloc (09022015). Collection method: clinical testing. Allele origin: germline.
Comment: This variant is not present in population databases (gnomAD no frequency). This sequence change replaces leucine, which is neutral and non-polar, with valine, which is neutral and non-polar, at codon 1325 of the SLX4 protein (p.Leu1325Val). This variant has not been reported in the literature in individuals affected with SLX4-related conditions. In summary, the available evidence is currently insufficient to determine the role of this variant in disease. Therefore, it has been classified as a Variant of Uncertain Significance. An algorithm developed to predict the effect of missense changes on protein structure and function (PolyPhen-2) suggests that this variant is likely to be tolerated. ClinVar contains an entry for this variant (Variation ID: 1356044).

NM_032444.4(SLX4):c.3973C>G (p.Leu1325Val)

Gene: SLX4 (SLX4 structure-specific endonuclease subunit; minus strand). Cytogenetic location: 16p13.3.
Variant type: single nucleotide variant.
Coding change: c.3973C>G on transcript NM_032444.4 (MANE Select); coding-DNA position 3973, C replaced by G.
Protein change: p.Leu1325Val; replaces leucine 1325 with valine.
Molecular consequence: missense variant.
Genome position (GRCh38, 1-based): chr16:3,589,665, G>C on the plus strand (C>G on the coding strand, the complement: SLX4 is on the minus strand). VCF-style: chr16-3589665-G-C. GRCh37 (hg19) VCF-style: chr16-3639666-G-C.
Other names: short protein forms L1325V.
Identifiers: ClinVar variation 1356044 (VCV001356044.8), dbSNP rs2151122362, ClinGen allele CA394518672.
Genomic context (GRCh38, chr16:3,589,665, plus strand): 5'-GGGAAGGGCTTCTGTGGCCTTGCCTTCTGCCGTCAGAAGTTCCTGGAGAGACGGGAGTGA[G>C]GCATGAGGACGGTGTCTGGGGCGGTGGTGTCTGGGGCCTGATGACAGAAAACTTCTGTGC-3'
Protein context (NP_115820.2, residues 1315-1335): TPPPQTPSSC[Leu1325Val]TPVSPGTSDG